The following is an entry in ClinVar:

NM_004329.3(BMPR1A):c.20A>T (p.Tyr7Phe)

Gene: BMPR1A (bone morphogenetic protein receptor type 1A; plus strand). Cytogenetic location: 10q23.2.
Variant type: single nucleotide variant.
Coding change: c.20A>T on transcript NM_004329.3 (MANE Select); coding-DNA position 20, A replaced by T.
Protein change: p.Tyr7Phe; replaces tyrosine 7 with phenylalanine.
Molecular consequence: missense variant.
Genome position (GRCh38, 1-based): chr10:86,876,038, A>T. VCF-style: chr10-86876038-A-T. GRCh37 (hg19) VCF-style: chr10-88635795-A-T.
Other names: short protein forms Y7F.
Identifiers: ClinVar variation 920197 (VCV000920197.3), dbSNP rs993642453, ClinGen allele CA377774780.
Genomic context (GRCh38, chr10:86,876,038, plus strand): 5'-TATTAAAGGTGACAGTACACAGGAAACATTACAATTGAACAATGCCTCAGCTATACATTT[A>T]CATCAGATTATTGGGAGCCTATTTGTTCATCATTTCTCGTGTTCAAGGTAAATCAGTGTT-3'
Protein context (NP_004320.2, residues 1-17): MPQLYI[Tyr7Phe]IRLLGAYLFI

ClinVar aggregate classification (germline): Uncertain significance (1 of 4 stars; one submission).

Conditions:
Hereditary cancer-predisposing syndrome. Also called: Neoplastic Syndromes, Hereditary; Tumor predisposition; Hereditary Cancer Syndrome; Hereditary neoplastic syndrome. Identifiers: Orphanet 140162, MedGen C0027672, MeSH D009386, MONDO:0015356.

Submission:

Color Diagnostics, LLC DBA Color Health
Classification: Uncertain significance for Hereditary cancer-predisposing syndrome. Last evaluated: 2020-04-27. Review status: criteria provided, single submitter. Criteria: ACMG Guidelines, 2015. Collection method: clinical testing. Allele origin: germline.
Comment: This missense variant replaces tyrosine with phenylalanine at codon 7 of the BMPR1A protein. Computational prediction suggests that this variant may not impact protein structure and function (internally defined REVEL score threshold <= 0.5, PMID: 27666373). To our knowledge, functional studies have not been reported for this variant. This variant has not been reported in individuals affected with hereditary cancer in the literature. This variant has not been identified in the general population by the Genome Aggregation Database (gnomAD). The available evidence is insufficient to determine the role of this variant in disease conclusively. Therefore, this variant is classified as a Variant of Uncertain Significance.